The following is an entry in ClinVar:

ClinVar aggregate classification (germline): Pathogenic/Likely pathogenic. Review status: criteria provided, multiple submitters, no conflicts (2 of 4 stars). 8 submissions from 8 submitters: Pathogenic (6); Likely pathogenic (2). Last evaluated 2026-08-24.

Conditions:
Hereditary nonpolyposis colorectal neoplasms. Identifiers: MedGen C0009405, MeSH D003123.
Inherited MMR deficiency (Lynch syndrome).
Lynch syndrome 4 (LYNCH4). Also called: Colorectal cancer, hereditary nonpolyposis, type 4; Hereditary non-polyposis colorectal cancer, type 4. Identifiers: Orphanet 144, MedGen C1838333, MONDO:0013699, OMIM 614337. Disease mechanism: loss of function.
Hereditary cancer-predisposing syndrome. Also called: Hereditary neoplastic syndrome; Tumor predisposition; Hereditary Cancer Syndrome; Neoplastic Syndromes, Hereditary. Identifiers: Orphanet 140162, MedGen C0027672, MeSH D009386, MONDO:0015356.

Submissions (8):

Genetics Laboratory, Great Ormond Street Hospital NHS Foundation Trust, North Thames Genomic Laboratory Hub
Classification: Pathogenic for Inherited MMR deficiency (Lynch syndrome). Last evaluated: 2026-08-24. Review status: criteria provided, single submitter. Criteria: CanVIG MMR Gene Specific V1.7. Collection method: clinical testing. Allele origin: germline. Affected: yes.
Comment: PM2_supporting, PVS1_strong, PM3_moderate, PP4_strong

Center for Genomic Medicine, Rigshospitalet, Copenhagen University Hospital
Classification: Pathogenic. Last evaluated: 2025-12-29. Review status: criteria provided, single submitter. Criteria: ACMG Guidelines, 2015. Collection method: clinical testing. Allele origin: germline.
Comment: Classification criteria: PVS1, PM2_supporting, PM3_supporting

Labcorp Genetics (formerly Invitae), Labcorp
Classification: Pathogenic for Hereditary nonpolyposis colorectal neoplasms. Last evaluated: 2025-04-08. Review status: criteria provided, single submitter. Criteria: Invitae Variant Classification Sherloc (09022015). Collection method: clinical testing. Allele origin: germline.
Comment: This sequence change affects an acceptor splice site in intron 11 of the PMS2 gene. It is expected to disrupt RNA splicing. Variants that disrupt the donor or acceptor splice site typically lead to a loss of protein function (PMID: 16199547), and loss-of-function variants in PMS2 are known to be pathogenic (PMID: 21376568, 24362816). The frequency data for this variant in the population databases (gnomAD) is considered unreliable due to the presence of homologous sequence, such as pseudogenes or paralogs, in the genome. Disruption of this splice site has been observed in individuals with a personal and/or family history of cancer or constitutional mismatch repair deficiency syndrome (PMID: 24763289, 26318770, 30013564). ClinVar contains an entry for this variant (Variation ID: 1459392). Algorithms developed to predict the effect of sequence changes on RNA splicing suggest that this variant may disrupt the consensus splice site. For these reasons, this variant has been classified as Pathogenic.

Myriad Genetics, Inc.
Classification: Pathogenic for Lynch syndrome 4. Last evaluated: 2025-03-11. Review status: criteria provided, single submitter. Criteria: Myriad Autosomal Dominant, Autosomal Recessive and X-Linked Classification Criteria (2023). Collection method: clinical testing. Allele origin: unknown.
Comment: This variant is considered pathogenic. This variant occurs within a consensus splice junction and is predicted to result in abnormal mRNA splicing of either an out-of-frame exon or an in-frame exon necessary for protein stability and/or normal function. This variant has been reported in multiple individuals with clinical features of gene-specific disease [PMID: 26318770, 30013564, 32642664].

Quest Diagnostics Nichols Institute San Juan Capistrano
Classification: Likely pathogenic. Last evaluated: 2024-12-31. Review status: criteria provided, single submitter. Criteria: Quest Diagnostics criteria. Collection method: clinical testing. Allele origin: unknown.
Comment: The PMS2 c.2007-2A>G variant disrupts a canonical splice-acceptor site and is predicted to interfere with normal PMS2 mRNA splicing. This variant has been reported in the published literature in individuals with Lynch syndrome (PMID: 31992580 (2020)) and constitutional mismatch repair deficiency (PMID: 32642664 (2019), 30013564 (2018), 26318770 (2015)). This variant has not been reported in large, multi-ethnic general populations (Genome Aggregation Database). Based on the available information, this variant is classified as likely pathogenic.

Baylor Genetics
Classification: Pathogenic for Lynch syndrome 4. Last evaluated: 2023-03-31. Review status: criteria provided, single submitter. Criteria: ACMG Guidelines, 2015. Collection method: clinical testing. Allele origin: unknown.

Centre for Mendelian Genomics, University Medical Centre Ljubljana
Classification: Likely pathogenic for Lynch syndrome 4. Last evaluated: 2022-12-09. Review status: criteria provided, single submitter. Criteria: ACMG Guidelines, 2015. Collection method: research. Allele origin: germline. Affected: no.
Comment: PVS1_STR, PS4_STR, PM2_SUP

Ambry Genetics
Classification: Pathogenic for Hereditary cancer-predisposing syndrome. Last evaluated: 2021-12-21. Review status: criteria provided, single submitter. Criteria: Ambry Variant Classification Scheme 2023. Collection method: clinical testing. Allele origin: germline.
Comment: The c.2007-2A>G intronic pathogenic mutation results from an A to G substitution two nucleotides upstream from coding exon 12 in the PMS2 gene. Alterations that disrupt the canonical splice site are expected to result in aberrant splicing. In silico splice site analysis predicts that this alteration will weaken the native splice acceptor site and will result in the creation or strengthening of a novel splice acceptor site. The resulting transcript is predicted to be in-frame and is not expected to trigger nonsense-mediated mRNAdecay; however, direct evidence is unavailable. The exact functional effect of the altered amino acid sequence is unknown; however, a significant portion of the protein is affected (Ambry internal data). This alteration has been identified homozygous in multiple individuals with CMMRD clinical diagnosis (Lavoine N et al. J Med Genet, 2015 Nov;52:770-8). (Wang Q et al. J Med Genet, 2020 07;57:487-499). Based on the supporting evidence, this alteration is interpreted as a disease-causing mutation.

Literature cited by the submitters: PubMed 30013564 (cited by 5 submitters); PubMed 16199547 (cited by Labcorp Genetics (formerly Invitae), Labcorp); PubMed 21376568 (cited by Labcorp Genetics (formerly Invitae), Labcorp); PubMed 24362816 (cited by Labcorp Genetics (formerly Invitae), Labcorp); PubMed 24763289 (cited by Labcorp Genetics (formerly Invitae), Labcorp); PubMed 26318770 (cited by 4 submitters); PubMed 32642664 (cited by Myriad Genetics, Inc. and Quest Diagnostics Nichols Institute San Juan Capistrano); PubMed 31992580 (cited by Quest Diagnostics Nichols Institute San Juan Capistrano and Ambry Genetics).

NM_000535.7(PMS2):c.2007-2A>G

Gene: PMS2 (PMS1 homolog 2, mismatch repair system component; minus strand). Cytogenetic location: 7p22.1.
Variant type: single nucleotide variant.
Coding change: c.2007-2A>G on transcript NM_000535.7 (MANE Select); the canonical splice acceptor site of the intron before coding-DNA position 2007, A replaced by G.
Molecular consequence: splice acceptor variant. On other transcripts: intron variant (4).
Genome position (GRCh38, 1-based): chr7:5,982,993, T>C on the plus strand (A>G on the coding strand, the complement: PMS2 is on the minus strand). VCF-style: chr7-5982993-T-C. GRCh37 (hg19) VCF-style: chr7-6022624-T-C.
Other names: c.1689-2A>G (NM_001322008.2, NM_001406883.1, NM_001322007.2 and 1 more transcripts); c.1698-2A>G (NM_001406881.1, NM_001406879.1, NM_001322015.2 and 5 more transcripts); c.1602-2A>G (NM_001406895.1, NM_001322004.2, NM_001406889.1 and 14 more transcripts); c.1236-2A>G (NM_001406911.1); c.1446-2A>G (NM_001322010.2, NM_001406906.1, NM_001406907.1); c.1533-2A>G (NM_001406902.1, NM_001406901.1); c.1494-2A>G (NM_001406904.1, NM_001406905.1); c.1434-2A>G (NM_001322013.2, NM_001406909.1); and 16 more.
Identifiers: ClinVar variation 1459392 (VCV001459392.17), dbSNP rs587782336, ClinGen allele CA366738205.